The following is an entry in ClinVar:

NM_001374736.1(DST):c.3830A>G (p.Asn1277Ser)

Gene: DST (dystonin; minus strand). Cytogenetic location: 6p12.1.
Variant type: single nucleotide variant.
Coding change: c.3830A>G on transcript NM_001374736.1 (MANE Select); coding-DNA position 3830, A replaced by G.
Protein change: p.Asn1277Ser; replaces asparagine 1277 with serine.
Molecular consequence: missense variant.
Genome position (GRCh38, 1-based): chr6:56,632,016, T>C on the plus strand (A>G on the coding strand, the complement: DST is on the minus strand). VCF-style: chr6-56632016-T-C. GRCh37 (hg19) VCF-style: chr6-56496814-T-C.
Other names: c.3731A>G, p.Asn1244Ser (NM_001144769.5); c.3317A>G, p.Asn1106Ser (NM_001144770.2); c.3830A>G, p.Asn1277Ser (NM_001374722.1); c.3197A>G, p.Asn1066Ser (NM_001374729.1, NM_001374730.1, NM_001386100.1 and 1 more transcripts); c.3857A>G, p.Asn1286Ser (NM_001374734.1); c.2219A>G, p.Asn740Ser (NM_001723.7, NM_015548.5); short protein forms N1066S, N740S, N1106S, N1244S, N1277S, N1286S.
Identifiers: ClinVar variation 946532 (VCV000946532.8), dbSNP rs2098785412, ClinGen allele CA364575025.

ClinVar aggregate classification (germline): Uncertain significance (1 of 4 stars; one submission).

Conditions:
Hereditary sensory and autonomic neuropathy type 6. Also called: HSAN VI; Neuropathy, hereditary sensory and autonomic, type VI. Identifiers: Orphanet 314381, MedGen C3539003, MONDO:0013839, OMIM 614653.
Epidermolysis bullosa simplex 3, localized or generalized intermediate, with BP230 deficiency (EBS3). Also called: Epidermolysis bullosa simplex due to BP230 deficiency; Epidermolysis bullosa simplex, autosomal recessive 2. Identifiers: Orphanet 412181, MedGen C3809470, MONDO:0014180, OMIM 615425.

Allele frequency attached by ClinVar (database versions not stated): TOPMed 0.00001.

Submission:

Labcorp Genetics (formerly Invitae), Labcorp
Classification: Uncertain significance for Epidermolysis bullosa simplex 3, localized or generalized intermediate, with BP230 deficiency; Hereditary sensory and autonomic neuropathy type 6. Last evaluated: 2019-06-18. Review status: criteria provided, single submitter. Criteria: Invitae Variant Classification Sherloc (09022015). Collection method: clinical testing. Allele origin: germline.
Comment: This sequence change replaces asparagine with serine at codon 740 of the DST protein (p.Asn740Ser). The asparagine residue is highly conserved and there is a small physicochemical difference between asparagine and serine. This variant is not present in population databases (ExAC no frequency). This variant has not been reported in the literature in individuals with DST-related conditions. Algorithms developed to predict the effect of missense changes on protein structure and function (SIFT, PolyPhen-2, Align-GVGD) all suggest that this variant is likely to be disruptive, but these predictions have not been confirmed by published functional studies and their clinical significance is uncertain. In summary, the available evidence is currently insufficient to determine the role of this variant in disease. Therefore, it has been classified as a Variant of Uncertain Significance.